The following is an entry in ClinVar:

NM_001374828.1(ARID1B):c.6173C>A (p.Ala2058Glu)

Gene: ARID1B (AT-rich interaction domain 1B; plus strand). Cytogenetic location: 6q25.3.
Variant type: single nucleotide variant.
Coding change: c.6173C>A on transcript NM_001374828.1 (MANE Select); coding-DNA position 6173, C replaced by A.
Protein change: p.Ala2058Glu; replaces alanine 2058 with glutamic acid.
Molecular consequence: missense variant.
Genome position (GRCh38, 1-based): chr6:157,206,945, C>A. VCF-style: chr6-157206945-C-A. GRCh37 (hg19) VCF-style: chr6-157528079-C-A.
Other names: c.6053C>A, p.Ala2018Glu (NM_001374820.1, NM_001371656.1); c.6014C>A, p.Ala2005Glu (NM_017519.3); c.5804C>A, p.Ala1935Glu (NM_020732.3); c.5591C>A, p.Ala1864Glu (NM_175863.2); c.5924C>A, p.Ala1975Glu (NM_001346813.1); c.3674C>A, p.Ala1225Glu (NM_001363725.2); short protein forms A1864E, A1935E, A2005E, A2058E, A1225E, A1975E, A2018E.
Identifiers: ClinVar variation 2749606 (VCV002749606.3), dbSNP rs1282942992, ClinGen allele CA366247689.
Genomic context (GRCh38, chr6:157,206,945, plus strand): 5'-ACATCAAGCTGCTGGAGGACGAGCCCAGGAGCCGAGACGAGACTCCTCTGTGTACCATCG[C>A]GCACTGGCAGGACTCGCTGGCTAAGCGATGCATCTGTGTGTCCAATATTGTCCGTAGCTT-3'
Protein context (NP_001361757.1, residues 2048-2068): SRDETPLCTI[Ala2058Glu]HWQDSLAKRC

ClinVar aggregate classification (germline): Uncertain significance (1 of 4 stars; one submission).

Submission:

Labcorp Genetics (formerly Invitae), Labcorp
Classification: Uncertain significance. Last evaluated: 2024-11-11. Review status: criteria provided, single submitter. Criteria: Invitae Variant Classification Sherloc (09022015). Collection method: clinical testing. Allele origin: germline.
Comment: This sequence change replaces alanine, which is neutral and non-polar, with glutamic acid, which is acidic and polar, at codon 1935 of the ARID1B protein (p.Ala1935Glu). This variant is not present in population databases (gnomAD no frequency). This variant has not been reported in the literature in individuals affected with ARID1B-related conditions. ClinVar contains an entry for this variant (Variation ID: 2749606). Invitae Evidence Modeling of protein sequence and biophysical properties (such as structural, functional, and spatial information, amino acid conservation, physicochemical variation, residue mobility, and thermodynamic stability) indicates that this missense variant is not expected to disrupt ARID1B protein function with a negative predictive value of 80%. In summary, the available evidence is currently insufficient to determine the role of this variant in disease. Therefore, it has been classified as a Variant of Uncertain Significance.